The following is an entry in ClinVar:

ClinVar aggregate classification (germline): Uncertain significance. Review status: criteria provided, multiple submitters, no conflicts (2 of 4 stars). 2 submissions from 2 submitters: Uncertain significance (2). Last evaluated 2025-07-21.

Conditions:
Oligodontia-cancer predisposition syndrome. Also called: TOOTH AGENESIS-COLORECTAL CANCER SYNDROME. Identifiers: Orphanet 300576, MedGen C1837750, MONDO:0012075, OMIM 608615. Disease mechanism: loss of function.
Hereditary cancer-predisposing syndrome. Also called: Tumor predisposition; Hereditary neoplastic syndrome; Neoplastic Syndromes, Hereditary; Hereditary Cancer Syndrome. Identifiers: Orphanet 140162, MedGen C0027672, MeSH D009386, MONDO:0015356.

Submissions (2):

Labcorp Genetics (formerly Invitae), Labcorp
Classification: Uncertain significance for Oligodontia-cancer predisposition syndrome. Last evaluated: 2025-07-21. Review status: criteria provided, single submitter. Criteria: Invitae Variant Classification Sherloc (09022015). Collection method: clinical testing. Allele origin: germline.
Comment: This sequence change replaces histidine, which is basic and polar, with tyrosine, which is neutral and polar, at codon 660 of the AXIN2 protein (p.His660Tyr). This variant is not present in population databases (gnomAD no frequency). This missense change has been observed in individual(s) with oligodontia (PMID: 27090353). ClinVar contains an entry for this variant (Variation ID: 663983). Invitae Evidence Modeling of protein sequence and biophysical properties (such as structural, functional, and spatial information, amino acid conservation, physicochemical variation, residue mobility, and thermodynamic stability) indicates that this missense variant is not expected to disrupt AXIN2 protein function with a negative predictive value of 80%. Experimental studies are conflicting or provide insufficient evidence to determine the effect of this variant on AXIN2 function (PMID: 27090353). In summary, the available evidence is currently insufficient to determine the role of this variant in disease. Therefore, it has been classified as a Variant of Uncertain Significance.

Ambry Genetics
Classification: Uncertain significance for Hereditary cancer-predisposing syndrome. Last evaluated: 2020-08-18. Review status: criteria provided, single submitter. Criteria: Ambry Variant Classification Scheme 2023. Collection method: clinical testing. Allele origin: germline.
Comment: The p.H660Y variant (also known as c.1978C>T), located in coding exon 7 of the AXIN2 gene, results from a C to T substitution at nucleotide position 1978. The histidine at codon 660 is replaced by tyrosine, an amino acid with similar properties. This alteration was detected in two members of a Chinese family with non-syndromic oligodontia but not in 500 healthy, unrelated controls (Yue H et al. Eur. J. Oral Sci., 2016 06;124:228-33). This alteration was shown to reduce AXIN2 protein expression, decrease beta-catenin levels and inhibit Wnt/beta-catenin signaling (Yue H et al. Eur. J. Oral Sci., 2016 06;124:228-33). This amino acid position is not well conserved in available vertebrate species. In addition, this alteration is predicted to be tolerated by in silico analysis. Since supporting evidence is limited at this time, the clinical significance of this alteration remains unclear.

Literature cited by the submitters: PubMed 27090353 (cited by Labcorp Genetics (formerly Invitae), Labcorp and Ambry Genetics).

NM_004655.4(AXIN2):c.1978C>T (p.His660Tyr)

Gene: AXIN2 (axin 2; minus strand). Cytogenetic location: 17q24.1.
Variant type: single nucleotide variant.
Coding change: c.1978C>T on transcript NM_004655.4 (MANE Select); coding-DNA position 1978, C replaced by T.
Protein change: p.His660Tyr; replaces histidine 660 with tyrosine.
Molecular consequence: missense variant.
Genome position (GRCh38, 1-based): chr17:65,536,483, G>A on the plus strand (C>T on the coding strand, the complement: AXIN2 is on the minus strand). VCF-style: chr17-65536483-G-A. GRCh37 (hg19) VCF-style: chr17-63532601-G-A.
Other names: c.1978C>T (LRG_296t1); c.1783C>T, p.His595Tyr (NM_001363813.1); short protein forms H660Y, H595Y.
Identifiers: ClinVar variation 663983 (VCV000663983.10), dbSNP rs1598097035, ClinGen allele CA400676223.